The following is an entry in ClinVar:

ClinVar aggregate classification (germline): Uncertain significance (1 of 4 stars; one submission).

Conditions:
CHARGE syndrome (CHARGE). Also called: Coloboma, heart anomaly, choanal atresia, retardation, genital and ear anomalies; CHARGE association; Hall-Hittner syndrome; Hittner Hirsch Kreh syndrome; CHARGE ASSOCIATION--COLOBOMA, HEART ANOMALY, CHOANAL ATRESIA, RETARDATION, GENITAL AND EAR ANOMALIES. Identifiers: Orphanet 138, MedGen C0265354, MONDO:0008965.

Submission:

Labcorp Genetics (formerly Invitae), Labcorp
Classification: Uncertain significance for CHARGE syndrome. Last evaluated: 2020-10-27. Review status: criteria provided, single submitter. Criteria: Invitae Variant Classification Sherloc (09022015). Collection method: clinical testing. Allele origin: germline.
Comment: In summary, the available evidence is currently insufficient to determine the role of this variant in disease. Therefore, it has been classified as a Variant of Uncertain Significance. Algorithms developed to predict the effect of missense changes on protein structure and function are either unavailable or do not agree on the potential impact of this missense change (SIFT: "Deleterious"; PolyPhen-2: "Probably Damaging"; Align-GVGD: "Class C0"). This variant has not been reported in the literature in individuals with SEMA3E-related conditions. This variant is not present in population databases (ExAC no frequency). This sequence change replaces arginine with serine at codon 265 of the SEMA3E protein (p.Arg265Ser). The arginine residue is highly conserved and there is a moderate physicochemical difference between arginine and serine.

NM_012431.3(SEMA3E):c.795G>T (p.Arg265Ser)

Gene: SEMA3E (semaphorin 3E; minus strand). Cytogenetic location: 7q21.11.
Variant type: single nucleotide variant.
Coding change: c.795G>T on transcript NM_012431.3 (MANE Select); coding-DNA position 795, G replaced by T.
Protein change: p.Arg265Ser; replaces arginine 265 with serine.
Molecular consequence: missense variant.
Genome position (GRCh38, 1-based): chr7:83,407,115, C>A on the plus strand (G>T on the coding strand, the complement: SEMA3E is on the minus strand). VCF-style: chr7-83407115-C-A. GRCh37 (hg19) VCF-style: chr7-83036431-C-A.
Other names: c.615G>T, p.Arg205Ser (NM_001178129.2); short protein forms R205S, R265S.
Identifiers: ClinVar variation 1468496 (VCV001468496.8), dbSNP rs2115648620, ClinGen allele CA367930183.
Genomic context (GRCh38, chr7:83,407,115, plus strand): 5'-AAATTGTGAGATAAGCAAGCATAATGAGAGAGAAAGCCTCACCACACAGAGTCGCCCGAC[C>A]CTGGTGTAAATTGCGTGAGCATTGTTTTCTGCCTCCAGTGCCTTCTCAGTAAAAAAGAAA-3'
Protein context (NP_036563.1, residues 255-275): AENNAHAIYT[Arg265Ser]VGRLCVNDVG